The following is an entry in ClinVar:

ClinVar aggregate classification (germline): Uncertain significance (1 of 4 stars; one submission).

Conditions:
Hereditary sensory and autonomic neuropathy type 1 (HSAN1). Also called: HSAN 1; HSN Type I; Hereditary Sensory Neuropathy Type I. Identifiers: Orphanet 36386, MedGen C0020071, MONDO:0018213.

Submission:

Labcorp Genetics (formerly Invitae), Labcorp
Classification: Uncertain significance for Hereditary sensory and autonomic neuropathy type 1. Last evaluated: 2022-09-06. Review status: criteria provided, single submitter. Criteria: Invitae Variant Classification Sherloc (09022015). Collection method: clinical testing. Allele origin: germline.
Comment: In summary, the available evidence is currently insufficient to determine the role of this variant in disease. Therefore, it has been classified as a Variant of Uncertain Significance. Variants that disrupt the consensus splice site are a relatively common cause of aberrant splicing (PMID: 17576681, 9536098). Algorithms developed to predict the effect of sequence changes on RNA splicing suggest that this variant may disrupt the consensus splice site. This sequence change falls in intron 10 of the SPTLC1 gene. It does not directly change the encoded amino acid sequence of the SPTLC1 protein. It affects a nucleotide within the consensus splice site. This variant is not present in population databases (gnomAD no frequency). This variant has not been reported in the literature in individuals affected with SPTLC1-related conditions.

Literature cited by the submitters: PubMed 17576681; PubMed 9536098.

NM_006415.4(SPTLC1):c.984+5del

Gene: SPTLC1 (serine palmitoyltransferase long chain base subunit 1; minus strand). Cytogenetic location: 9q22.31.
Variant type: Deletion.
Coding change: c.984+5del on transcript NM_006415.4 (MANE Select); 5 bases into the intron after coding-DNA position 984, one base deleted (G; older notation c.984+5delG).
Molecular consequence: intron variant.
Genome position (GRCh38, 1-based): chr9:92,047,608, C deleted on the plus strand (G on the coding strand, the reverse complement: SPTLC1 is on the minus strand); the first of 3 consecutive C bases (chr9:92,047,608-92,047,610); deleting any one gives the same sequence. VCF-style (leftmost placement, unchanged base first): chr9-92047607-AC-A. GRCh37 (hg19) VCF-style: chr9-94809889-AC-A.
Other names: c.984+5del (NM_001281303.2); c.618+5del (NM_001368272.1); c.519+5del (NM_001368273.1).
Identifiers: ClinVar variation 2062481 (VCV002062481.4), dbSNP rs2538399992, ClinGen allele CA2580080673.
Genomic context (GRCh38, chr9:92,047,607, plus strand): 5'-ATATTTTGAGGTGACCAATGGAGAAATTAGTTTCAGTTTTAGCTCCTGTTTTTAAAAAGA[AC>A]CCACCTGATGGTCAATTACAAAAGACCTGCCACAGCAGAAACCTCCAATAGAAGCAAGTG-3'